The following is an entry in ClinVar:

ClinVar aggregate classification (germline): Uncertain significance. Review status: criteria provided, multiple submitters, no conflicts (2 of 4 stars). 2 submissions from 2 submitters: Uncertain significance (2). Last evaluated 2026-02-09.

Conditions:
Hereditary cancer-predisposing syndrome. Also called: Hereditary neoplastic syndrome; Tumor predisposition; Hereditary Cancer Syndrome; Neoplastic Syndromes, Hereditary. Identifiers: Orphanet 140162, MedGen C0027672, MeSH D009386, MONDO:0015356.
Gastrointestinal stromal tumor. Also called: Gastrointestinal stroma tumor; Gastrointestinal stromal tumor, somatic. Identifiers: Orphanet 44890, MedGen C0238198, MeSH D046152, MONDO:0011719, OMIM 606764, HP:0100723.

Allele frequency attached by ClinVar (database versions not stated): TOPMed below 0.00001; gnomAD 0.00001.
gnomAD v4.1: 2 of 1,497,650 alleles (0.00013%); highest among the groups gnomAD compares: African/African-American, 0.0014%; no homozygotes.

Submissions (2):

Ambry Genetics
Classification: Uncertain significance for Hereditary cancer-predisposing syndrome. Last evaluated: 2026-02-09. Review status: criteria provided, single submitter. Criteria: Ambry Variant Classification Scheme 2023. Collection method: clinical testing. Allele origin: germline.
Comment: The p.L782F variant (also known as c.2344C>T), located in coding exon 16 of the PDGFRA gene, results from a C to T substitution at nucleotide position 2344. The leucine at codon 782 is replaced by phenylalanine, an amino acid with highly similar properties. This amino acid position is highly conserved in available vertebrate species. In addition, the in silico prediction for this alteration is inconclusive. Based on the available evidence, the clinical significance of this variant remains unclear.

Labcorp Genetics (formerly Invitae), Labcorp
Classification: Uncertain significance for Gastrointestinal stromal tumor. Last evaluated: 2024-02-13. Review status: criteria provided, single submitter. Criteria: Invitae Variant Classification Sherloc (09022015). Collection method: clinical testing. Allele origin: germline.
Comment: This sequence change replaces leucine, which is neutral and non-polar, with phenylalanine, which is neutral and non-polar, at codon 782 of the PDGFRA protein (p.Leu782Phe). This variant is not present in population databases (gnomAD no frequency). This variant has not been reported in the literature in individuals affected with PDGFRA-related conditions. ClinVar contains an entry for this variant (Variation ID: 1491105). Advanced modeling of protein sequence and biophysical properties (such as structural, functional, and spatial information, amino acid conservation, physicochemical variation, residue mobility, and thermodynamic stability) performed at Invitae indicates that this missense variant is not expected to disrupt PDGFRA protein function with a negative predictive value of 80%. In summary, the available evidence is currently insufficient to determine the role of this variant in disease. Therefore, it has been classified as a Variant of Uncertain Significance.

NM_006206.6(PDGFRA):c.2344C>T (p.Leu782Phe)

Gene: PDGFRA (platelet derived growth factor receptor alpha; plus strand). Cytogenetic location: 4q12.
Variant type: single nucleotide variant.
Coding change: c.2344C>T on transcript NM_006206.6 (MANE Select); coding-DNA position 2344, C replaced by T.
Protein change: p.Leu782Phe; replaces leucine 782 with phenylalanine.
Molecular consequence: missense variant.
Genome position (GRCh38, 1-based): chr4:54,285,391, C>T. VCF-style: chr4-54285391-C-T. GRCh37 (hg19) VCF-style: chr4-55151558-C-T.
Other names: c.2344C>T, p.Leu782Phe (NM_001347829.2); c.2383C>T, p.Leu795Phe (NM_001347830.2); c.2344C>T (NM_006206.4); c.2419C>T, p.Leu807Phe (NM_001347828.2); short protein forms L782F, L795F, L807F.
Identifiers: ClinVar variation 1491105 (VCV001491105.9), dbSNP rs1577741455, ClinGen allele CA356894622.